The following is an entry in ClinVar:

ClinVar aggregate classification (germline): Uncertain significance. Review status: criteria provided, multiple submitters, no conflicts (2 of 4 stars). 2 submissions from 2 submitters: Uncertain significance (2). Last evaluated 2025-10-28.

Conditions:
Tuberous sclerosis 2 (TSC2). Identifiers: Orphanet 805, MedGen C1860707, MONDO:0013199, OMIM 613254.
Hereditary cancer-predisposing syndrome. Also called: Tumor predisposition; Hereditary neoplastic syndrome; Neoplastic Syndromes, Hereditary; Hereditary Cancer Syndrome. Identifiers: Orphanet 140162, MedGen C0027672, MeSH D009386, MONDO:0015356.

gnomAD v4.1: 16 of 1,614,190 alleles (0.00099%); highest among the groups gnomAD compares: Non-Finnish European, 0.0013%; no homozygotes.

Submissions (2):

Ambry Genetics
Classification: Uncertain significance for Hereditary cancer-predisposing syndrome. Last evaluated: 2025-10-28. Review status: criteria provided, single submitter. Criteria: Ambry Variant Classification Scheme 2023. Collection method: clinical testing. Allele origin: germline.
Comment: The p.K128T variant (also known as c.383A>C), located in coding exon 4 of the TSC2 gene, results from an A to C substitution at nucleotide position 383. The lysine at codon 128 is replaced by threonine, an amino acid with similar properties. This amino acid position is conserved. In addition, the in silico prediction for this alteration is inconclusive. Since supporting evidence is limited at this time, the clinical significance of this alteration remains unclear.

Labcorp Genetics (formerly Invitae), Labcorp
Classification: Uncertain significance for Tuberous sclerosis 2. Last evaluated: 2025-02-11. Review status: criteria provided, single submitter. Criteria: Invitae Variant Classification Sherloc (09022015). Collection method: clinical testing. Allele origin: germline.
Comment: This sequence change replaces lysine, which is basic and polar, with threonine, which is neutral and polar, at codon 128 of the TSC2 protein (p.Lys128Thr). This variant is not present in population databases (gnomAD no frequency). This variant has not been reported in the literature in individuals affected with TSC2-related conditions. ClinVar contains an entry for this variant (Variation ID: 2497445). Invitae Evidence Modeling of protein sequence and biophysical properties (such as structural, functional, and spatial information, amino acid conservation, physicochemical variation, residue mobility, and thermodynamic stability) indicates that this missense variant is not expected to disrupt TSC2 protein function with a negative predictive value of 95%. In summary, the available evidence is currently insufficient to determine the role of this variant in disease. Therefore, it has been classified as a Variant of Uncertain Significance.

NM_000548.5(TSC2):c.383A>C (p.Lys128Thr)

Gene: TSC2 (TSC complex subunit 2; plus strand). Cytogenetic location: 16p13.3.
Variant type: single nucleotide variant.
Coding change: c.383A>C on transcript NM_000548.5 (MANE Select); coding-DNA position 383, A replaced by C.
Protein change: p.Lys128Thr; replaces lysine 128 with threonine.
Molecular consequence: missense variant. On other transcripts: 5 prime UTR variant (14), non-coding transcript variant (5), intron variant (6).
Genome position (GRCh38, 1-based): chr16:2,054,342, A>C. VCF-style: chr16-2054342-A-C. GRCh37 (hg19) VCF-style: chr16-2104343-A-C.
Other names: c.-434A>C (NM_001406680.1, NM_001406683.1, NM_001406687.1); c.-63A>C (NM_001406681.1); c.-1049A>C (NM_001406690.1, NM_001406691.1, NM_001406692.1 and 2 more transcripts); c.-930A>C (NM_001406695.1, NM_001406694.1); c.-1037A>C (NM_001406696.1); c.-1-1854A>C (NM_001406682.1, NM_001406684.1, NM_001406685.1 and 3 more transcripts); c.-1265A>C (NM_001406693.1); c.-1225A>C (NM_001406698.1); and 6 more; short protein forms K109T, K139T, K91T, K128T, K158T, K79T.
Identifiers: ClinVar variation 2497445 (VCV002497445.6), dbSNP rs2151041424, ClinGen allele CA394306822.